The following is an entry in ClinVar:

ClinVar aggregate classification (germline): Pathogenic (1 of 4 stars; one submission).

Conditions:
Marfan syndrome (MFS). Also called: Marfan syndrome type 1; Marfan's syndrome; FBN1-Related Marfan Syndrome; MARFAN SYNDROME, TYPE I; Marfan syndrome, classic. Identifiers: Orphanet 284963, Orphanet 558, MedGen C0024796, MONDO:0007947, OMIM 154700.
Familial thoracic aortic aneurysm and aortic dissection (TAAD). Also called: Thoracic aortic aneurysms and dissections. Identifiers: Orphanet 91387, MedGen C4707243, MONDO:0019625.

Submission:

Labcorp Genetics (formerly Invitae), Labcorp
Classification: Pathogenic for Marfan syndrome; Familial thoracic aortic aneurysm and aortic dissection. Last evaluated: 2021-10-14. Review status: criteria provided, single submitter. Criteria: Invitae Variant Classification Sherloc (09022015). Collection method: clinical testing. Allele origin: germline.
Comment: This sequence change creates a premature translational stop signal (p.Ser2148Phefs*16) in the FBN1 gene. It is expected to result in an absent or disrupted protein product. Loss-of-function variants in FBN1 are known to be pathogenic (PMID: 17657824, 19293843). This variant is not present in population databases (ExAC no frequency). This variant has not been reported in the literature in individuals affected with FBN1-related conditions. For these reasons, this variant has been classified as Pathogenic.

Literature cited by the submitters: PubMed 17657824; PubMed 19293843.

NM_000138.5(FBN1):c.6440dup (p.Ser2148fs)

Gene: FBN1 (fibrillin 1; minus strand). Cytogenetic location: 15q21.1.
Variant type: Duplication.
Coding change: c.6440dup on transcript NM_000138.5 (MANE Select); coding-DNA position 6440, one base duplicated (G; older notation c.6440dupG).
Protein change: p.Ser2148fs; shifts the reading frame from serine 2148.
Molecular consequence: frameshift variant.
Genome position (GRCh38, 1-based): chr15:48,437,017, C duplicated on the plus strand (G on the coding strand, the reverse complement: FBN1 is on the minus strand); the first of 2 consecutive C bases (chr15:48,437,017-48,437,018); duplicating either gives the same sequence. VCF-style (leftmost placement, unchanged base first): chr15-48437016-A-AC. GRCh37 (hg19) VCF-style: chr15-48729213-A-AC.
Other names: short protein forms S2148fs.
Identifiers: ClinVar variation 1407100 (VCV001407100.6), dbSNP rs2141240388, ClinGen allele CA2573150926.